The following is an entry in ClinVar:

ClinVar aggregate classification (germline): Likely benign. Review status: criteria provided, multiple submitters, no conflicts (2 of 4 stars). 3 submissions from 3 submitters: Likely benign (2). 1 of the submissions does not count toward it. Last evaluated 2025-08-01.

Conditions:
DOK7-related disorder. Also called: DOK7-related condition.
Congenital myasthenic syndrome 10. Also called: Myasthenia, limb-girdle, familial. Identifiers: Orphanet 590, MedGen C1850792, MONDO:0009690, OMIM 254300.
Fetal akinesia deformation sequence 1 (FADS1). Also called: Fetal akinesia sequence; Pena-Shokeir syndrome type I. Identifiers: Orphanet 994, MedGen C1276035, MONDO:0100101, OMIM 208150, HP:0001989.

Allele frequency attached by ClinVar (database versions not stated): ExAC 0.00002; gnomAD 0.00008 and 0.00009; 1000 Genomes Project 30x 0.00016; 1000 Genomes Project 0.00020.
gnomAD v4.1: 39 of 1,613,892 alleles (0.0024%); highest among the groups gnomAD compares: Admixed American, 0.025%; no homozygotes.

Submissions (3):

Labcorp Genetics (formerly Invitae), Labcorp
Classification: Likely benign for Congenital myasthenic syndrome 10; Fetal akinesia deformation sequence 1. Last evaluated: 2025-08-01. Review status: criteria provided, single submitter. Criteria: Invitae Variant Classification Sherloc (09022015). Collection method: clinical testing. Allele origin: germline.

CeGaT Center for Human Genetics Tuebingen
Classification: Likely benign. Last evaluated: 2022-06-01. Review status: criteria provided, single submitter. Criteria: CeGaT Center For Human Genetics Tuebingen Variant Classification Criteria Version 2. Collection method: clinical testing. Allele origin: germline. Affected: yes. Observed: 1 variant allele.
Comment: DOK7: BP4, BP7

PreventionGenetics, part of Exact Sciences
Classification: Likely benign for DOK7-related condition. Last evaluated: 2019-07-03. Review status: no assertion criteria provided. Collection method: clinical testing. Allele origin: germline. Not counted in ClinVar's aggregate classification.
Comment: This variant is classified as likely benign based on ACMG/AMP sequence variant interpretation guidelines (Richards et al. 2015 PMID: 25741868, with internal and published modifications).

NM_173660.5(DOK7):c.480C>T (p.Tyr160=)

Gene: DOK7 (docking protein 7; plus strand). Cytogenetic location: 4p16.3.
Variant type: single nucleotide variant.
Coding change: c.480C>T on transcript NM_173660.5 (MANE Select); coding-DNA position 480, C replaced by T.
Protein change: p.Tyr160=; no amino-acid change (tyrosine 160 retained).
Molecular consequence: synonymous variant. On other transcripts: intron variant (1).
Genome position (GRCh38, 1-based): chr4:3,476,490, C>T. VCF-style: chr4-3476490-C-T. GRCh37 (hg19) VCF-style: chr4-3478217-C-T.
Other names: c.480C>T (NM_173660.4); c.480C>T, p.Tyr160= (NM_001164673.2, NM_001301071.2); c.101-9049C>T (NM_001363811.2).
Identifiers: ClinVar variation 1589422 (VCV001589422.33), dbSNP rs550024569, ClinGen allele CA2829009.